The following is an entry in ClinVar:

NM_005751.5(AKAP9):c.2506T>A (p.Cys836Ser)

Gene: AKAP9 (A-kinase anchoring protein 9; plus strand). Cytogenetic location: 7q21.2.
Variant type: single nucleotide variant.
Coding change: c.2506T>A on transcript NM_005751.5 (MANE Select); coding-DNA position 2506, T replaced by A.
Protein change: p.Cys836Ser; replaces cysteine 836 with serine.
Molecular consequence: missense variant.
Genome position (GRCh38, 1-based): chr7:92,002,423, T>A. VCF-style: chr7-92002423-T-A. GRCh37 (hg19) VCF-style: chr7-91631737-T-A.
Other names: c.2506T>A, p.Cys836Ser (NM_147185.3); short protein forms C836S.
Identifiers: ClinVar variation 5034041 (VCV005034041.1).

ClinVar aggregate classification (germline): Uncertain significance (1 of 4 stars; one submission).

Conditions:
Cardiovascular phenotype. Identifiers: MedGen CN230736.

gnomAD v4.1: 1 of 1,608,986 alleles (0.000062%); no homozygotes.

Submission:

Ambry Genetics
Classification: Uncertain significance for Cardiovascular phenotype. Last evaluated: 2026-08-08. Review status: criteria provided, single submitter. Criteria: Ambry Variant Classification Scheme 2023. Collection method: clinical testing. Allele origin: germline.
Comment: The p.C836S variant (also known as c.2506T>A), located in coding exon 8 of the AKAP9 gene, results from a T to A substitution at nucleotide position 2506. The cysteine at codon 836 is replaced by serine, an amino acid with dissimilar properties. This amino acid position is conserved. In addition, this alteration is predicted to be tolerated by in silico analysis. Based on the available evidence, the clinical significance of this variant remains unclear.